The following is an entry in ClinVar:

ClinVar aggregate classification (germline): Conflicting classifications of pathogenicity. Review status: criteria provided, conflicting classifications (1 of 4 stars). 4 submissions from 4 submitters: Uncertain significance (3); Likely benign (1). Last evaluated 2024-09-13.

Conditions:
Carney-Stratakis syndrome. Also called: PARAGANGLIOMA AND GASTROINTESTINAL STROMAL TUMOR. Identifiers: Orphanet 97286, MedGen C1847319, MONDO:0011740, OMIM 606864.
Paragangliomas with sensorineural hearing loss. Identifiers: MedGen C1868633.
Cowden syndrome 3 (CWS3). Identifiers: Orphanet 201, MedGen CN166604, MONDO:0014045.
Pheochromocytoma. Also called: MAX-Related Hereditary Paraganglioma-Pheochromocytoma Syndrome. Identifiers: Orphanet 29072, MedGen C0031511, MONDO:0008233, OMIM 171300, HP:0002666.
Mitochondrial complex 2 deficiency, nuclear type 3. Also called: MITOCHONDRIAL COMPLEX II DEFICIENCY, NUCLEAR TYPE 3. Identifiers: MedGen C5436934, MONDO:0030937, OMIM 619167.
Hereditary cancer-predisposing syndrome. Also called: Neoplastic Syndromes, Hereditary; Hereditary Cancer Syndrome; Tumor predisposition; Hereditary neoplastic syndrome. Identifiers: Orphanet 140162, MedGen C0027672, MeSH D009386, MONDO:0015356.
Hereditary pheochromocytoma and paraganglioma. Also called: Hereditary Paraganglioma-Pheochromocytoma Syndromes; Hereditary paragangliomas and pheochromocytomas; Hereditary pheochromocytoma-paraganglioma. Identifiers: Orphanet 29072, MedGen C4274332, MONDO:0017366.

Allele frequency attached by ClinVar (database versions not stated): gnomAD exomes below 0.00001.

Submissions (4):

All of Us Research Program, National Institutes of Health
Classification: Uncertain significance for Hereditary pheochromocytoma and paraganglioma. Last evaluated: 2024-09-13. Review status: criteria provided, single submitter. Criteria: ACMG Guidelines, 2015. Collection method: clinical testing. Allele origin: germline. Inheritance: Autosomal dominant inheritance. Observed: 1 variant allele, 1 heterozygote.
Comment: This missense variant replaces isoleucine with threonine at codon 40 of the SDHD protein. Computational prediction is inconclusive regarding the impact of this variant on protein structure and function (internally defined REVEL score threshold 0.5 < inconclusive < 0.7, PMID: 27666373). To our knowledge, functional studies have not been reported for this variant. This variant has not been reported in individuals affected with SDHD-related disorders in the literature. This variant has not been identified in the general population by the Genome Aggregation Database (gnomAD). The available evidence is insufficient to determine the role of this variant in disease conclusively. Therefore, this variant is classified as a Variant of Uncertain Significance.

This study involves interpretation of variants in research participants for the purpose of population health screening. Participant phenotype was not available at the time of variant classification. Additional details can be found in publication PMID: 35346344, PMCID: PMC8962531

Ambry Genetics
Classification: Likely benign for Hereditary cancer-predisposing syndrome. Last evaluated: 2023-12-17. Review status: criteria provided, single submitter. Criteria: Ambry Variant Classification Scheme 2023. Collection method: clinical testing. Allele origin: germline.

Baylor Genetics
Classification: Uncertain significance for Mitochondrial complex 2 deficiency, nuclear type 3. Last evaluated: 2023-11-21. Review status: criteria provided, single submitter. Criteria: ACMG Guidelines, 2015. Collection method: clinical testing. Allele origin: unknown.

Labcorp Genetics (formerly Invitae), Labcorp
Classification: Uncertain significance for Carney-Stratakis syndrome; Paragangliomas with sensorineural hearing loss; Pheochromocytoma; Cowden syndrome 3. Last evaluated: 2018-08-29. Review status: criteria provided, single submitter. Criteria: Invitae Variant Classification Sherloc (09022015). Collection method: clinical testing. Allele origin: germline.
Comment: This variant has not been reported in the literature in individuals with SDHD-related disease. In summary, the available evidence is currently insufficient to determine the role of this variant in disease. Therefore, it has been classified as a Variant of Uncertain Significance. Algorithms developed to predict the effect of missense changes on protein structure and function output the following: SIFT: "Tolerated"; PolyPhen-2: "Benign"; Align-GVGD: "Class C0". The threonine amino acid residue is found in multiple mammalian species, suggesting that this missense change does not adversely affect protein function. These predictions have not been confirmed by published functional studies and their clinical significance is uncertain. This variant is not present in population databases (ExAC no frequency). This sequence change replaces isoleucine with threonine at codon 40 of the SDHD protein (p.Ile40Thr). The isoleucine residue is weakly conserved and there is a moderate physicochemical difference between isoleucine and threonine.

NM_003002.4(SDHD):c.119T>C (p.Ile40Thr)

Gene: SDHD (succinate dehydrogenase complex subunit D; plus strand). Cytogenetic location: 11q23.1.
Variant type: single nucleotide variant.
Coding change: c.119T>C on transcript NM_003002.4 (MANE Select); coding-DNA position 119, T replaced by C.
Protein change: p.Ile40Thr; replaces isoleucine 40 with threonine.
Molecular consequence: missense variant. On other transcripts: non-coding transcript variant (1), intron variant (1).
Genome position (GRCh38, 1-based): chr11:112,087,923, T>C. VCF-style: chr11-112087923-T-C. GRCh37 (hg19) VCF-style: chr11-111958647-T-C.
Other names: c.119T>C, p.Ile40Thr (NM_001276503.2, NM_001276506.2); c.53-944T>C (NM_001276504.2); c.119T>C (NM_003002.2); short protein forms I40T.
Identifiers: ClinVar variation 641815 (VCV000641815.9), dbSNP rs1592778916, ClinGen allele CA382617025.
Genomic context (GRCh38, chr11:112,087,923, plus strand): 5'-TGCTTCGAACTCCAGTGGTCAGACCTGCTCATATCTCAGCATTTCTTCAGGACCGACCTA[T>C]CCCAGAATGGTGTGGAGTGCAGCACATACACTTGTCACCGAGCCACCATTGTATGTTCTC-3'
Protein context (NP_002993.1, residues 30-50): HISAFLQDRP[Ile40Thr]PEWCGVQHIH